The following is an entry in ClinVar:

NM_001040108.2(MLH3):c.2155T>A (p.Trp719Arg)

Gene: MLH3 (mutL homolog 3; minus strand). Cytogenetic location: 14q24.3.
Variant type: single nucleotide variant.
Coding change: c.2155T>A on transcript NM_001040108.2 (MANE Select); coding-DNA position 2155, T replaced by A.
Protein change: p.Trp719Arg; replaces tryptophan 719 with arginine.
Molecular consequence: missense variant.
Genome position (GRCh38, 1-based): chr14:75,047,501, A>T on the plus strand (T>A on the coding strand, the complement: MLH3 is on the minus strand). VCF-style: chr14-75047501-A-T. GRCh37 (hg19) VCF-style: chr14-75514204-A-T.
Other names: c.2155T>A, p.Trp719Arg (NM_014381.3); short protein forms W719R.
Identifiers: ClinVar variation 5024592 (VCV005024592.1).

ClinVar aggregate classification (germline): Uncertain significance (1 of 4 stars; one submission).

Submission:

Ambry Genetics
Classification: Uncertain significance. Last evaluated: 2026-07-11. Review status: criteria provided, single submitter. Criteria: Ambry Variant Classification Scheme 2023. Collection method: clinical testing. Allele origin: germline.
Comment: The p.W719R variant (also known as c.2155T>A), located in coding exon 1 of the MLH3 gene, results from a T to A substitution at nucleotide position 2155. The tryptophan at codon 719 is replaced by arginine, an amino acid with dissimilar properties. This amino acid position is conserved. In addition, this alteration is predicted to be tolerated by in silico analysis. Based on the available evidence, the clinical significance of this variant remains unclear.